The following is an entry in ClinVar:

NM_016239.4(MYO15A):c.1239G>A (p.Trp413Ter)

Gene: MYO15A (myosin XVA; plus strand). Cytogenetic location: 17p11.2.
Variant type: single nucleotide variant.
Coding change: c.1239G>A on transcript NM_016239.4 (MANE Select); coding-DNA position 1239, G replaced by A.
Protein change: p.Trp413Ter; replaces tryptophan 413 with a stop codon.
Molecular consequence: nonsense.
Genome position (GRCh38, 1-based): chr17:18,120,039, G>A. VCF-style: chr17-18120039-G-A. GRCh37 (hg19) VCF-style: chr17-18023353-G-A.
Other names: short protein forms W413*.
Identifiers: ClinVar variation 4765317 (VCV004765317.1).

ClinVar aggregate classification (germline): Pathogenic (1 of 4 stars; one submission).

Submission:

Labcorp Genetics (formerly Invitae), Labcorp
Classification: Pathogenic. Last evaluated: 2025-11-16. Review status: criteria provided, single submitter. Criteria: Invitae Variant Classification Sherloc (09022015). Collection method: clinical testing. Allele origin: germline.
Comment: This sequence change creates a premature translational stop signal (p.Trp413*) in the MYO15A gene. It is expected to result in an absent or disrupted protein product. Loss-of-function variants in MYO15A are known to be pathogenic (PMID: 17546645). This variant is not present in population databases (gnomAD no frequency). This variant has not been reported in the literature in individuals affected with MYO15A-related conditions. For these reasons, this variant has been classified as Pathogenic.

Literature cited by the submitters: PubMed 17546645.